The following is an entry in ClinVar:

NM_018418.5(SPATA7):c.1200_1201del (p.Asn400fs)

Gene: SPATA7 (spermatogenesis associated 7; plus strand). Cytogenetic location: 14q31.3.
Variant type: Deletion.
Coding change: c.1200_1201del on transcript NM_018418.5 (MANE Select); coding-DNA positions 1200 to 1201, 2 bases deleted (TA; older notation c.1200_1201delTA).
Protein change: p.Asn400fs; shifts the reading frame from asparagine 400.
Molecular consequence: frameshift variant.
Genome position (GRCh38, 1-based): chr14:88,437,582-88,437,583, TA deleted; deleting any 2 consecutive bases within chr14:88,437,581-88,437,583 gives the same sequence; the c. name uses the placement nearest the transcript's 3' end. VCF-style (leftmost placement, unchanged base first): chr14-88437580-AAT-A. GRCh37 (hg19) VCF-style: chr14-88903924-AAT-A.
Other names: c.1104_1105del, p.Asn368fs (NM_001040428.4); short protein forms N400fs, N368fs.
Identifiers: ClinVar variation 857630 (VCV000857630.9), dbSNP rs2077123914, ClinGen allele CA916083394.

ClinVar aggregate classification (germline): Pathogenic (1 of 4 stars; one submission).

Conditions:
Leber congenital amaurosis 3 (LCA3). Also called: SPATA7-Related Retinitis Pigmentosa. Identifiers: MedGen C1858677, MONDO:0011415, OMIM 604232.

Submission:

Labcorp Genetics (formerly Invitae), Labcorp
Classification: Pathogenic for Leber congenital amaurosis 3. Last evaluated: 2019-11-26. Review status: criteria provided, single submitter. Criteria: Invitae Variant Classification Sherloc (09022015). Collection method: clinical testing. Allele origin: germline.
Comment: This sequence change results in a premature translational stop signal in the SPATA7 gene (p.Asn400Lysfs*32). While this is not anticipated to result in nonsense mediated decay, it is expected to disrupt the last 200 amino acids of the SPATA7 protein. This variant is not present in population databases (ExAC no frequency). This variant has not been reported in the literature in individuals with SPATA7-related conditions. This variant disrupts the C-terminus of the SPATA7 protein. Other variant(s) that disrupt this region (p.Asn454Lysfs*2) have been determined to be pathogenic (Invitae). This suggests that variants that disrupt this region of the protein are likely to be causative of disease. For these reasons, this variant has been classified as Pathogenic.